The following is an entry in ClinVar:

ClinVar aggregate classification (germline): Uncertain significance (1 of 4 stars; one submission).

Conditions:
Nemaline myopathy 6 (NEM6). Also called: Nemaline myopathy 6, autosomal dominant. Identifiers: Orphanet 171439, MedGen C1836472, MONDO:0012237, OMIM 609273.

Submission:

Institute of Human Genetics, University of Leipzig Medical Center
Classification: Uncertain significance for Nemaline myopathy 6. Last evaluated: 2024-02-28. Review status: criteria provided, single submitter. Criteria: ACMG Guidelines, 2015. Collection method: clinical testing. Allele origin: paternal. Inheritance: Autosomal dominant inheritance. Affected: yes.
Comment: Criteria applied: PM2_SUP,BP4

NM_001101362.3(KBTBD13):c.1250A>T (p.Glu417Val)

Gene: KBTBD13 (kelch repeat and BTB domain containing 13; plus strand). Cytogenetic location: 15q22.31.
Variant type: single nucleotide variant.
Coding change: c.1250A>T on transcript NM_001101362.3 (MANE Select); coding-DNA position 1250, A replaced by T.
Protein change: p.Glu417Val; replaces glutamic acid 417 with valine.
Molecular consequence: missense variant.
Genome position (GRCh38, 1-based): chr15:65,078,065, A>T. VCF-style: chr15-65078065-A-T. GRCh37 (hg19) VCF-style: chr15-65370403-A-T.
Other names: short protein forms E417V.
Identifiers: ClinVar variation 3359138 (VCV003359138.2).